The following is an entry in ClinVar:

NM_001330.5(CTF1):c.304G>C (p.Asp102His)

Genes: CTF1 (cardiotrophin 1; plus strand), LOC130058878 (ATAC-STARR-seq lymphoblastoid silent region 7400; plus strand). Cytogenetic location: 16p11.2.
Variant type: single nucleotide variant.
Coding change: c.304G>C on transcript NM_001330.5 (MANE Select); coding-DNA position 304, G replaced by C.
Protein change: p.Asp102His; replaces aspartic acid 102 with histidine.
Molecular consequence: missense variant. On other transcripts: non-coding transcript variant (1).
Genome position (GRCh38, 1-based): chr16:30,902,237, G>C. VCF-style: chr16-30902237-G-C. GRCh37 (hg19) VCF-style: chr16-30913558-G-C.
Other names: c.301G>C, p.Asp101His (NM_001142544.3); short protein forms D101H, D102H.
Identifiers: ClinVar variation 2416942 (VCV002416942.7), dbSNP rs1489795372, ClinGen allele CA395618767.

ClinVar aggregate classification (germline): Uncertain significance (1 of 4 stars; one submission).

Allele frequency attached by ClinVar (database versions not stated): gnomAD 0.00001; TOPMed 0.00002.

Submission:

Labcorp Genetics (formerly Invitae), Labcorp
Classification: Uncertain significance. Last evaluated: 2025-03-11. Review status: criteria provided, single submitter. Criteria: Invitae Variant Classification Sherloc (09022015). Collection method: clinical testing. Allele origin: germline.
Comment: This sequence change replaces aspartic acid, which is acidic and polar, with histidine, which is basic and polar, at codon 102 of the CTF1 protein (p.Asp102His). The frequency data for this variant in the population databases is considered unreliable, as metrics indicate poor data quality at this position in the gnomAD database. This variant has not been reported in the literature in individuals affected with CTF1-related conditions. ClinVar contains an entry for this variant (Variation ID: 2416942). An algorithm developed to predict the effect of missense changes on protein structure and function (PolyPhen-2) suggests that this variant is likely to be disruptive. In summary, the available evidence is currently insufficient to determine the role of this variant in disease. Therefore, it has been classified as a Variant of Uncertain Significance.